The following is an entry in ClinVar:

NM_020347.4(LZTFL1):c.715A>G (p.Asn239Asp)

Gene: LZTFL1 (leucine zipper transcription factor like 1; minus strand). Cytogenetic location: 3p21.31.
Variant type: single nucleotide variant.
Coding change: c.715A>G on transcript NM_020347.4 (MANE Select); coding-DNA position 715, A replaced by G.
Protein change: p.Asn239Asp; replaces asparagine 239 with aspartic acid.
Molecular consequence: missense variant. On other transcripts: non-coding transcript variant (1).
Genome position (GRCh38, 1-based): chr3:45,828,501, T>C on the plus strand (A>G on the coding strand, the complement: LZTFL1 is on the minus strand). VCF-style: chr3-45828501-T-C. GRCh37 (hg19) VCF-style: chr3-45869993-T-C.
Other names: c.715A>G (NM_020347.3); c.664A>G, p.Asn222Asp (NM_001276378.2, NM_001386451.1, NM_001405922.1 and 4 more transcripts); c.703A>G, p.Asn235Asp (NM_001276379.2, NM_001405921.1); c.715A>G, p.Asn239Asp (NM_001386452.1); c.739A>G, p.Asn247Asp (NM_001405920.1, NM_001405925.1); c.649A>G, p.Asn217Asp (NM_001405924.1); short protein forms N235D, N222D, N247D, N217D, N239D.
Identifiers: ClinVar variation 1955526 (VCV001955526.5), dbSNP rs1331311491, ClinGen allele CA352447873.

ClinVar aggregate classification (germline): Uncertain significance. Review status: criteria provided, multiple submitters, no conflicts (2 of 4 stars). 3 submissions from 3 submitters: Uncertain significance (3). Last evaluated 2026-06-06.

Conditions:
LZTFL1-related disorder. Also called: LZTFL1-related condition.

Allele frequency attached by ClinVar (database versions not stated): gnomAD exomes below 0.00001; TOPMed below 0.00001; gnomAD 0.00001.
gnomAD v4.1: 7 of 1,614,102 alleles (0.00043%); highest among the groups gnomAD compares: South Asian, 0.0033%; no homozygotes.

Submissions (3):

PreventionGenetics, part of Exact Sciences
Classification: Uncertain significance for LZTFL1-related condition. Last evaluated: 2026-06-06. Review status: criteria provided, single submitter. Criteria: ACMG Guidelines, 2015. Collection method: clinical testing. Allele origin: germline.
Comment: The LZTFL1 c.715A>G variant is predicted to result in the amino acid substitution p.Asn239Asp. To our knowledge, this variant has not been reported in the literature. This variant is reported in 0.0033% of alleles in individuals of South Asian descent in gnomAD. At this time, the clinical significance of this variant is uncertain due to the absence of conclusive functional and genetic evidence.

Labcorp Genetics (formerly Invitae), Labcorp
Classification: Uncertain significance. Last evaluated: 2025-09-02. Review status: criteria provided, single submitter. Criteria: Invitae Variant Classification Sherloc (09022015). Collection method: clinical testing. Allele origin: germline.
Comment: This sequence change replaces asparagine, which is neutral and polar, with aspartic acid, which is acidic and polar, at codon 239 of the LZTFL1 protein (p.Asn239Asp). This variant is present in population databases (no rsID available, gnomAD 0.003%). This variant has not been reported in the literature in individuals affected with LZTFL1-related conditions. ClinVar contains an entry for this variant (Variation ID: 1955526). Invitae Evidence Modeling of protein sequence and biophysical properties (such as structural, functional, and spatial information, amino acid conservation, physicochemical variation, residue mobility, and thermodynamic stability) indicates that this missense variant is not expected to disrupt LZTFL1 protein function with a negative predictive value of 80%. In summary, the available evidence is currently insufficient to determine the role of this variant in disease. Therefore, it has been classified as a Variant of Uncertain Significance.

Blueprint Genetics
Classification: Uncertain significance. Last evaluated: 2023-07-06. Review status: criteria provided, single submitter. Criteria: ACMG Guidelines, 2015. Collection method: clinical testing. Allele origin: germline.